The following is an entry in ClinVar:

NM_001283009.2(RTEL1):c.2437G>A (p.Glu813Lys)

Genes: RTEL1 (regulator of telomere elongation helicase 1; plus strand), RTEL1-TNFRSF6B (RTEL1-TNFRSF6B readthrough (NMD candidate); plus strand). Cytogenetic location: 20q13.33.
Variant type: single nucleotide variant.
Coding change: c.2437G>A on transcript NM_001283009.2 (MANE Select); coding-DNA position 2437, G replaced by A.
Protein change: p.Glu813Lys; replaces glutamic acid 813 with lysine.
Molecular consequence: missense variant. On other transcripts: non-coding transcript variant (1).
Genome position (GRCh38, 1-based): chr20:63,690,828, G>A. VCF-style: chr20-63690828-G-A. GRCh37 (hg19) VCF-style: chr20-62322181-G-A.
Other names: c.1768G>A, p.Glu590Lys (NM_001283010.1); c.2437G>A, p.Glu813Lys (NM_016434.4); c.2509G>A, p.Glu837Lys (NM_032957.5); short protein forms E813K, E837K, E590K.
Identifiers: ClinVar variation 1792353 (VCV001792353.8), dbSNP rs753525041, ClinGen allele CA9965363.

ClinVar aggregate classification (germline): Uncertain significance. Review status: criteria provided, multiple submitters, no conflicts (2 of 4 stars). 5 submissions from 5 submitters: Uncertain significance (5). Last evaluated 2025-02-11.

Conditions:
Inborn genetic diseases. Identifiers: MedGen C0950123, MeSH D030342.
RTEL1-related disorder. Also called: RTEL1-related condition; RTEL1-related disorders.
Dyskeratosis congenita, autosomal recessive 5 (DKCB5). Identifiers: MedGen C3554656, MONDO:0014076, OMIM 615190.
Pulmonary fibrosis and/or bone marrow failure, Telomere-related, 3. Also called: PULMONARY FIBROSIS AND/OR BONE MARROW FAILURE SYNDROME, TELOMERE-RELATED, 3. Identifiers: Orphanet 2032, MedGen C4225346, MONDO:0014613, OMIM 616373.

Allele frequency attached by ClinVar (database versions not stated): gnomAD exomes 0.00002; ExAC 0.00003; gnomAD 0.00003; TOPMed 0.00004.
gnomAD v4.1: 26 of 1,605,158 alleles (0.0016%); highest among the groups gnomAD compares: Admixed American, 0.0034%; no homozygotes.

Submissions (5):

PreventionGenetics, part of Exact Sciences
Classification: Uncertain significance for RTEL1-related condition. Last evaluated: 2025-02-11. Review status: criteria provided, single submitter. Criteria: ACMG Guidelines, 2015. Collection method: clinical testing. Allele origin: germline.
Comment: The RTEL1 c.2509G>A variant is predicted to result in the amino acid substitution p.Glu837Lys. To our knowledge, this variant has not been reported in the literature. This variant is reported in 0.0058% of alleles in individuals of Latino descent in gnomAD. At this time, the clinical significance of this variant is uncertain due to the absence of conclusive functional and genetic evidence.

Labcorp Genetics (formerly Invitae), Labcorp
Classification: Uncertain significance for Dyskeratosis congenita, autosomal recessive 5; Pulmonary fibrosis and/or bone marrow failure, Telomere-related, 3. Last evaluated: 2024-12-19. Review status: criteria provided, single submitter. Criteria: Invitae Variant Classification Sherloc (09022015). Collection method: clinical testing. Allele origin: germline.
Comment: This sequence change replaces glutamic acid, which is acidic and polar, with lysine, which is basic and polar, at codon 813 of the RTEL1 protein (p.Glu813Lys). This variant is present in population databases (rs753525041, gnomAD 0.006%). This variant has not been reported in the literature in individuals affected with RTEL1-related conditions. ClinVar contains an entry for this variant (Variation ID: 1792353). An algorithm developed to predict the effect of missense changes on protein structure and function (PolyPhen-2) suggests that this variant¬¨‚Ä†is likely to be tolerated. In summary, the available evidence is currently insufficient to determine the role of this variant in disease. Therefore, it has been classified as a Variant of Uncertain Significance.

Blueprint Genetics
Classification: Uncertain significance. Last evaluated: 2023-12-29. Review status: criteria provided, single submitter. Criteria: ACMG Guidelines, 2015. Collection method: clinical testing. Allele origin: germline.

GeneDx
Classification: Uncertain significance. Last evaluated: 2022-12-23. Review status: criteria provided, single submitter. Criteria: GeneDx Variant Classification Process June 2021. Collection method: clinical testing. Allele origin: germline. Affected: yes.
Comment: Not observed at significant frequency in large population cohorts (gnomAD); In silico analysis supports that this missense variant does not alter protein structure/function; Has not been previously published as pathogenic or benign to our knowledge

Ambry Genetics
Classification: Uncertain significance for Inborn genetic diseases. Last evaluated: 2021-12-18. Review status: criteria provided, single submitter. Criteria: Ambry Variant Classification Scheme 2023. Collection method: clinical testing. Allele origin: germline.
Comment: The p.E837K variant (also known as c.2509G>A), located in coding exon 26 of the RTEL1 gene, results from a G to A substitution at nucleotide position 2509. The glutamic acid at codon 837 is replaced by lysine, an amino acid with similar properties. This amino acid position is conserved. In addition, this alteration is predicted to be tolerated by in silico analysis. Since supporting evidence is limited at this time, the clinical significance of this alteration remains unclear.